The following is an entry in ClinVar:

ClinVar aggregate classification (germline): Benign/Likely benign. Review status: criteria provided, multiple submitters, no conflicts (2 of 4 stars). 3 submissions from 3 submitters: Benign (1); Likely benign (2). Last evaluated 2026-06-02.

Conditions:
Gastrointestinal stromal tumor. Also called: Gastrointestinal stromal tumor, somatic; Gastrointestinal stroma tumor. Identifiers: Orphanet 44890, MedGen C0238198, MeSH D046152, MONDO:0011719, OMIM 606764, HP:0100723.
Hereditary cancer-predisposing syndrome. Also called: Neoplastic Syndromes, Hereditary; Tumor predisposition; Hereditary Cancer Syndrome; Hereditary neoplastic syndrome. Identifiers: Orphanet 140162, MedGen C0027672, MeSH D009386, MONDO:0015356.

Submissions (3):

Myriad Genetics, Inc.
Classification: Benign for Gastrointestinal stromal tumor. Last evaluated: 2026-06-02. Review status: criteria provided, single submitter. Criteria: Myriad Autosomal Dominant, Autosomal Recessive and X-Linked Classification Criteria (2023). Collection method: clinical testing. Allele origin: unknown.
Comment: This variant is considered benign. This variant is a silent/synonymous amino acid change and it is not expected to impact splicing.

Labcorp Genetics (formerly Invitae), Labcorp
Classification: Likely benign for Gastrointestinal stromal tumor. Last evaluated: 2024-09-22. Review status: criteria provided, single submitter. Criteria: Invitae Variant Classification Sherloc (09022015). Collection method: clinical testing. Allele origin: germline.

Ambry Genetics
Classification: Likely benign for Hereditary cancer-predisposing syndrome. Last evaluated: 2020-11-19. Review status: criteria provided, single submitter. Criteria: Ambry Variant Classification Scheme 2023. Collection method: clinical testing. Allele origin: germline.

NM_000222.3(KIT):c.159G>A (p.Glu53=)

Gene: KIT (KIT proto-oncogene, receptor tyrosine kinase; plus strand). Cytogenetic location: 4q12.
Variant type: single nucleotide variant.
Coding change: c.159G>A on transcript NM_000222.3 (MANE Select); coding-DNA position 159, G replaced by A.
Protein change: p.Glu53=; no amino-acid change (glutamic acid 53 retained).
Molecular consequence: synonymous variant.
Genome position (GRCh38, 1-based): chr4:54,695,603, G>A. VCF-style: chr4-54695603-G-A. GRCh37 (hg19) VCF-style: chr4-55561769-G-A.
Other names: c.159G>A, p.Glu53= (NM_001093772.2, NM_001385284.1, NM_001385285.1 and 4 more transcripts).
Identifiers: ClinVar variation 1776101 (VCV001776101.8), dbSNP rs749431345, ClinGen allele CA439409030.